The following is an entry in ClinVar:

ClinVar aggregate classification (germline): Uncertain significance (1 of 4 stars; one submission).

Allele frequency attached by ClinVar (database versions not stated): gnomAD exomes below 0.00001; gnomAD 0.00001; TOPMed 0.00001.
gnomAD v4.1: 5 of 1,598,856 alleles (0.00031%); highest among the groups gnomAD compares: African/African-American, 0.0054%; no homozygotes.

Submission:

Labcorp Genetics (formerly Invitae), Labcorp
Classification: Uncertain significance. Last evaluated: 2023-08-15. Review status: criteria provided, single submitter. Criteria: Invitae Variant Classification Sherloc (09022015). Collection method: clinical testing. Allele origin: germline.
Comment: This sequence change replaces proline, which is neutral and non-polar, with threonine, which is neutral and polar, at codon 700 of the OBSL1 protein (p.Pro700Thr). This variant is not present in population databases (gnomAD no frequency). This variant has not been reported in the literature in individuals affected with OBSL1-related conditions. An algorithm developed to predict the effect of missense changes on protein structure and function (PolyPhen-2) suggests that this variant is likely to be tolerated. In summary, the available evidence is currently insufficient to determine the role of this variant in disease. Therefore, it has been classified as a Variant of Uncertain Significance.

NM_015311.3(OBSL1):c.2098C>A (p.Pro700Thr)

Gene: OBSL1 (obscurin like cytoskeletal adaptor 1; minus strand). Cytogenetic location: 2q35.
Variant type: single nucleotide variant.
Coding change: c.2098C>A on transcript NM_015311.3 (MANE Select); coding-DNA position 2098, C replaced by A.
Protein change: p.Pro700Thr; replaces proline 700 with threonine.
Molecular consequence: missense variant.
Genome position (GRCh38, 1-based): chr2:219,566,866, G>T on the plus strand (C>A on the coding strand, the complement: OBSL1 is on the minus strand). VCF-style: chr2-219566866-G-T. GRCh37 (hg19) VCF-style: chr2-220431588-G-T.
Other names: c.2098C>A, p.Pro700Thr (NM_001173408.2, NM_001173431.2); short protein forms P700T.
Identifiers: ClinVar variation 2954866 (VCV002954866.3), dbSNP rs534022717, ClinGen allele CA66035629.